The following is an entry in ClinVar:

ClinVar aggregate classification (germline): Uncertain significance (1 of 4 stars; one submission).

Conditions:
Inborn genetic diseases. Identifiers: MedGen C0950123, MeSH D030342.

Allele frequency attached by ClinVar (database versions not stated): TOPMed below 0.00001.

Submission:

Ambry Genetics
Classification: Uncertain significance for Inborn genetic diseases. Last evaluated: 2022-08-09. Review status: criteria provided, single submitter. Criteria: Ambry Variant Classification Scheme 2023. Collection method: clinical testing. Allele origin: germline.
Comment: The p.Q1546P variant (also known as c.4637A>C), located in coding exon 26 of the ATR gene, results from an A to C substitution at nucleotide position 4637. The glutamine at codon 1546 is replaced by proline, an amino acid with similar properties. This amino acid position is conserved. In addition, the in silico prediction for this alteration is inconclusive. Since supporting evidence is limited at this time, the clinical significance of this alteration remains unclear.

NM_001184.4(ATR):c.4637A>C (p.Gln1546Pro)

Gene: ATR (ATR checkpoint kinase; minus strand). Cytogenetic location: 3q23.
Variant type: single nucleotide variant.
Coding change: c.4637A>C on transcript NM_001184.4 (MANE Select); coding-DNA position 4637, A replaced by C.
Protein change: p.Gln1546Pro; replaces glutamine 1546 with proline.
Molecular consequence: missense variant.
Genome position (GRCh38, 1-based): chr3:142,513,505, T>G on the plus strand (A>C on the coding strand, the complement: ATR is on the minus strand). VCF-style: chr3-142513505-T-G. GRCh37 (hg19) VCF-style: chr3-142232347-T-G.
Other names: c.4445A>C, p.Gln1482Pro (NM_001354579.2); short protein forms Q1482P, Q1546P.
Identifiers: ClinVar variation 1742068 (VCV001742068.2), dbSNP rs2032695971, ClinGen allele CA354796690.